The following is an entry in ClinVar:

ClinVar aggregate classification (germline): Uncertain significance. Review status: criteria provided, multiple submitters, no conflicts (2 of 4 stars). 2 submissions from 2 submitters: Uncertain significance (2). Last evaluated 2021-05-13.

Conditions:
Septo-optic dysplasia sequence (SOD). Also called: DE MORSIER SYNDROME; Septo-optic dysplasia. Identifiers: Orphanet 3157, MedGen C0338503, MONDO:0008428, OMIM 182230, HP:0100842.
GROWTH HORMONE DEFICIENCY WITH PITUITARY ANOMALIES. Identifiers: MedGen C2750027, OMIM 182230.

Allele frequency attached by ClinVar (database versions not stated): gnomAD exomes below 0.00001 and 0.00001.
gnomAD v4.1: 2 of 1,613,926 alleles (0.00012%); highest among the groups gnomAD compares: Admixed American, 0.0033%; no homozygotes.

Submissions (2):

Revvity Omics, Revvity
Classification: Uncertain significance for Septo-optic dysplasia sequence. Last evaluated: 2021-05-13. Review status: criteria provided, single submitter. Criteria: ACMG Guidelines, 2015. Collection method: clinical testing. Allele origin: germline.

Labcorp Genetics (formerly Invitae), Labcorp
Classification: Uncertain significance for GROWTH HORMONE DEFICIENCY WITH PITUITARY ANOMALIES; Septo-optic dysplasia sequence. Last evaluated: 2020-12-13. Review status: criteria provided, single submitter. Criteria: Invitae Variant Classification Sherloc (09022015). Collection method: clinical testing. Allele origin: germline.
Comment: This sequence change replaces serine with asparagine at codon 4 of the HESX1 protein (p.Ser4Asn). The serine residue is moderately conserved and there is a small physicochemical difference between serine and asparagine. This variant is not present in population databases (ExAC no frequency). This variant has not been reported in the literature in individuals with HESX1-related conditions. Algorithms developed to predict the effect of missense changes on protein structure and function output the following: SIFT: "Tolerated"; PolyPhen-2: "Benign"; Align-GVGD: "Class C0". The asparagine amino acid residue is found in multiple mammalian species, suggesting that this missense change does not adversely affect protein function. These predictions have not been confirmed by published functional studies and their clinical significance is uncertain. In summary, the available evidence is currently insufficient to determine the role of this variant in disease. Therefore, it has been classified as a Variant of Uncertain Significance.

NM_003865.3(HESX1):c.11G>A (p.Ser4Asn)

Gene: HESX1 (HESX homeobox 1; minus strand). Cytogenetic location: 3p14.3.
Variant type: single nucleotide variant.
Coding change: c.11G>A on transcript NM_003865.3 (MANE Select); coding-DNA position 11, G replaced by A.
Protein change: p.Ser4Asn; replaces serine 4 with asparagine.
Molecular consequence: missense variant.
Genome position (GRCh38, 1-based): chr3:57,199,908, C>T on the plus strand (G>A on the coding strand, the complement: HESX1 is on the minus strand). VCF-style: chr3-57199908-C-T. GRCh37 (hg19) VCF-style: chr3-57233936-C-T.
Other names: c.11G>A, p.Ser4Asn (NM_001376058.1, NM_001376059.1, NM_001376060.1 and 1 more transcripts); short protein forms S4N.
Identifiers: ClinVar variation 1397651 (VCV001397651.10), dbSNP rs1332400265, ClinGen allele CA353402229.
Genomic context (GRCh38, chr3:57,199,908, plus strand): 5'-TCAATTGAAAAGGAGCAAGTTGAGGGTTTGTTTTCCCCGAGCTGAGCGCCTTCCTGAAGG[C>T]TGGGAGACATCCTCTCGTGGTCTGCACAGAGCAACAGCTCTGGCCTCTGCTGGCTCTGCC-3'
Protein context (NP_003856.1, residues 1-14): MSP[Ser4Asn]LQEGAQLGEN